The following is an entry in ClinVar:

NM_001098671.2(RASGRP2):c.1207C>T (p.Arg403Trp)

Gene: RASGRP2 (RAS guanyl releasing protein 2; minus strand). Cytogenetic location: 11q13.1.
Variant type: single nucleotide variant.
Coding change: c.1207C>T on transcript NM_001098671.2 (MANE Select); coding-DNA position 1207, C replaced by T.
Protein change: p.Arg403Trp; replaces arginine 403 with tryptophan.
Molecular consequence: missense variant.
Genome position (GRCh38, 1-based): chr11:64,735,631, G>A on the plus strand (C>T on the coding strand, the complement: RASGRP2 is on the minus strand). VCF-style: chr11-64735631-G-A. GRCh37 (hg19) VCF-style: chr11-64503103-G-A.
Other names: c.1207C>T, p.Arg403Trp (NM_001098670.2, NM_153819.2); c.772C>T, p.Arg258Trp (NM_001318398.2); short protein forms R258W, R403W.
Identifiers: ClinVar variation 2973498 (VCV002973498.2), dbSNP rs779716553, ClinGen allele CA6078976.
Genomic context (GRCh38, chr11:64,735,631, plus strand): 5'-CGAGGGCCTGATCCAGCTTGGGTTTGGCAGCCGAGGTCCACTCCTCCAGTACCGGGGGCC[G>A]GGGTGGTGGGGTGCAACTCGTGGGGCTGGTTGGCTATGGAAATGGTCGGGCCTGAGCTAG-3'
Protein context (NP_001092141.1, residues 393-413): TSPTSCTPPP[Arg403Trp]PPVLEEWTSA

ClinVar aggregate classification (germline): Uncertain significance (1 of 4 stars; one submission).

Allele frequency attached by ClinVar (database versions not stated): gnomAD exomes 0.00002; ExAC 0.00003; gnomAD 0.00003; TOPMed 0.00003.

Submission:

Labcorp Genetics (formerly Invitae), Labcorp
Classification: Uncertain significance. Last evaluated: 2024-01-09. Review status: criteria provided, single submitter. Criteria: Invitae Variant Classification Sherloc (09022015). Collection method: clinical testing. Allele origin: germline.
Comment: This sequence change replaces arginine, which is basic and polar, with tryptophan, which is neutral and slightly polar, at codon 403 of the RASGRP2 protein (p.Arg403Trp). This variant is present in population databases (rs779716553, gnomAD 0.009%). This variant has not been reported in the literature in individuals affected with RASGRP2-related conditions. Advanced modeling of protein sequence and biophysical properties (such as structural, functional, and spatial information, amino acid conservation, physicochemical variation, residue mobility, and thermodynamic stability) performed at Invitae indicates that this missense variant is not expected to disrupt RASGRP2 protein function with a negative predictive value of 80%. In summary, the available evidence is currently insufficient to determine the role of this variant in disease. Therefore, it has been classified as a Variant of Uncertain Significance.